The following is an entry in ClinVar:

ClinVar aggregate classification (germline): Uncertain significance. Review status: criteria provided, multiple submitters, no conflicts (2 of 4 stars). 4 submissions from 4 submitters: Uncertain significance (4). Last evaluated 2026-01-22.

Conditions:
Progressive muscular dystrophy. Identifiers: Orphanet 206644, MedGen C4551827, MONDO:0016106.
Cardiovascular phenotype. Identifiers: MedGen CN230736.
Duchenne muscular dystrophy (DMD). Also called: Duchenne Muscular Dystrophy (DMD); MUSCULAR DYSTROPHY, PSEUDOHYPERTROPHIC PROGRESSIVE, DUCHENNE TYPE. Identifiers: Orphanet 98896, MedGen C0013264, MONDO:0010679, OMIM 310200.

Submissions (4):

Myriad Genetics, Inc.
Classification: Uncertain significance for Progressive muscular dystrophy. Last evaluated: 2026-01-22. Review status: criteria provided, single submitter. Criteria: Myriad Autosomal Dominant, Autosomal Recessive and X-Linked Classification Criteria (2023). Collection method: clinical testing. Allele origin: unknown.
Comment: NM_004006.2(DMD):c.5409G>T(Q1803H) is a missense variant classified as a variant of uncertain significance in the context of dystrophinopathy (including Duchenne/Becker muscular dystrophy). Q1803H has not been observed in cases with relevant disease. Relevant functional assessments of this variant are not available in the literature. Q1803H has not been observed in referenced population frequency databases. In summary, there is insufficient evidence to classify NM_004006.2(DMD):c.5409G>T(Q1803H) as pathogenic or benign. Please note: this variant was assessed in the context of healthy population screening.

Ambry Genetics
Classification: Uncertain significance for Cardiovascular phenotype. Last evaluated: 2025-11-26. Review status: criteria provided, single submitter. Criteria: Ambry Variant Classification Scheme 2023. Collection method: clinical testing. Allele origin: germline.
Comment: The p.Q1803H variant (also known as c.5409G>T), located in coding exon 38 of the DMD gene, results from a G to T substitution at nucleotide position 5409. The glutamine at codon 1803 is replaced by histidine, an amino acid with highly similar properties. This variant was reported in individual(s) with features consistent with dilated cardiomyopathy (Stroeks SLVM et al. Eur J Hum Genet. 2023 Jul;31(7):776-783). This amino acid position is highly conserved in available vertebrate species. In addition, this alteration is predicted to be tolerated by in silico analysis. Based on the available evidence, the clinical significance of this variant remains unclear.

Labcorp Genetics (formerly Invitae), Labcorp
Classification: Uncertain significance for Duchenne muscular dystrophy. Last evaluated: 2023-12-06. Review status: criteria provided, single submitter. Criteria: Invitae Variant Classification Sherloc (09022015). Collection method: clinical testing. Allele origin: germline.
Comment: This sequence change replaces glutamine, which is neutral and polar, with histidine, which is basic and polar, at codon 1803 of the DMD protein (p.Gln1803His). This variant is not present in population databases (gnomAD no frequency). This variant has not been reported in the literature in individuals affected with DMD-related conditions. ClinVar contains an entry for this variant (Variation ID: 2158222). Advanced modeling of protein sequence and biophysical properties (such as structural, functional, and spatial information, amino acid conservation, physicochemical variation, residue mobility, and thermodynamic stability) performed at Invitae indicates that this missense variant is not expected to disrupt DMD protein function with a negative predictive value of 95%. In summary, the available evidence is currently insufficient to determine the role of this variant in disease. Therefore, it has been classified as a Variant of Uncertain Significance.

GeneDx
Classification: Uncertain significance. Last evaluated: 2022-08-02. Review status: criteria provided, single submitter. Criteria: GeneDx Variant Classification Process June 2021. Collection method: clinical testing. Allele origin: germline. Affected: yes.
Comment: Not observed at significant frequency in large population cohorts (gnomAD); In silico analysis supports that this missense variant has a deleterious effect on protein structure/function; Missense variant in a gene in which most reported pathogenic variants are truncating/loss of function; Has not been previously published as pathogenic or benign to our knowledge

Literature cited by the submitters: PubMed 37198425 (cited by Ambry Genetics).

NM_004006.3(DMD):c.5409G>T (p.Gln1803His)

Gene: DMD (dystrophin; minus strand). Cytogenetic location: Xp21.1.
Variant type: single nucleotide variant.
Coding change: c.5409G>T on transcript NM_004006.3 (MANE Select); coding-DNA position 5409, G replaced by T.
Protein change: p.Gln1803His; replaces glutamine 1803 with histidine.
Molecular consequence: missense variant.
Genome position (GRCh38, 1-based): chrX:32,348,445, C>A on the plus strand (G>T on the coding strand, the complement: DMD is on the minus strand). VCF-style: chrX-32348445-C-A. GRCh37 (hg19) VCF-style: chrX-32366562-C-A.
Other names: c.5385G>T, p.Gln1795His (NM_000109.4); c.5397G>T, p.Gln1799His (NM_004009.3); c.5040G>T, p.Gln1680His (NM_004010.3); c.1386G>T, p.Gln462His (NM_004011.4); c.1377G>T, p.Gln459His (NM_004012.4); short protein forms Q459H, Q1680H, Q462H, Q1795H, Q1799H, Q1803H.
Identifiers: ClinVar variation 2158222 (VCV002158222.10), dbSNP rs2097771202, ClinGen allele CA412667751.
Genomic context (GRCh38, chrX:32,348,445, plus strand): 5'-CTTTTATCACAACCAATTTACCATATCTTTATTGAAGTCTTCCTCTTTCAGATTCACCCC[C>A]TGCTGAATTTCAGCCTCCAGTGGTTCAAGCAATTTTTGTATATCTGAGTTAAACTGCTCC-3'
Protein context (NP_003997.2, residues 1793-1813): LLEPLEAEIQ[Gln1803His]GVNLKEEDFN